The following is an entry in ClinVar:

NM_015294.6(TRIM37):c.40C>T (p.Arg14Ter)

Gene: TRIM37 (tripartite motif containing 37; minus strand). Cytogenetic location: 17q22.
Variant type: single nucleotide variant.
Coding change: c.40C>T on transcript NM_015294.6 (MANE Select); coding-DNA position 40, C replaced by T.
Protein change: p.Arg14Ter; replaces arginine 14 with a stop codon.
Molecular consequence: nonsense. On other transcripts: 5 prime UTR variant (2), non-coding transcript variant (1), intron variant (3).
Genome position (GRCh38, 1-based): chr17:59,104,376, G>A on the plus strand (C>T on the coding strand, the complement: TRIM37 is on the minus strand). VCF-style: chr17-59104376-G-A. GRCh37 (hg19) VCF-style: chr17-57181737-G-A.
Other names: c.40C>T, p.Arg14Ter (NM_001005207.5, NM_001320988.3, NM_001320989.3 and 2 more transcripts); c.-403C>T (NM_001320990.3); c.-713C>T (NM_001353083.2); c.-252+2065C>T (NM_001353085.2); c.21+2065C>T (NM_001320987.3, NM_001353082.2); short protein forms R14*.
Identifiers: ClinVar variation 2679256 (VCV002679256.3), dbSNP rs2546470629, ClinGen allele CA400399490.
Genomic context (GRCh38, chr17:59,104,376, plus strand): 5'-GTTTGGAGCAATGAGGACACAGGCGTGCATCCCGCAATTTCTCCATACAAATGAAACATC[G>A]GAAAACCTCAGCAATGCTCTGAAAACAGTAAAAGATGTAAGGTCCACCAGTTTAGGCTAC-3'

ClinVar aggregate classification (germline): Likely pathogenic. Review status: criteria provided, multiple submitters, no conflicts (2 of 4 stars). 2 submissions from 2 submitters: Likely pathogenic (2). Last evaluated 2026-02-13.

Conditions:
Mulibrey nanism syndrome. Also called: MUSCLE-LIVER-BRAIN-EYE NANISM; PERHEENTUPA SYNDROME; PERICARDIAL CONSTRICTION AND GROWTH FAILURE. Identifiers: Orphanet 2576, MedGen C0524582, MONDO:0009664, OMIM 253250.

gnomAD v4.1: 4 of 1,614,080 alleles (0.00025%); highest among the groups gnomAD compares: Non-Finnish European, 0.00034%; no homozygotes.

Submissions (2):

OLLIN Analises Genomicas, OLLIN
Classification: Likely pathogenic for Mulibrey nanism syndrome. Last evaluated: 2026-02-13. Review status: criteria provided, single submitter. Criteria: ACMG Guidelines 2015 PMID 25741868. Collection method: clinical testing. Allele origin: germline. Observed: 1 variant allele.
Comment: PVS1, PM2_P

Baylor Genetics
Classification: Likely pathogenic for Mulibrey nanism syndrome. Last evaluated: 2023-11-16. Review status: criteria provided, single submitter. Criteria: ACMG Guidelines, 2015. Collection method: clinical testing. Allele origin: unknown.